The following is an entry in ClinVar:

ClinVar aggregate classification (germline): Likely pathogenic (1 of 4 stars; one submission).

Conditions:
Mullegama-Klein-Martinez syndrome. Also called: NEURODEVELOPMENTAL DISORDER, X-LINKED, WITH CRANIOFACIAL ABNORMALITIES. Identifiers: MedGen C5193008, MONDO:0026722, OMIM 301022.

Submission:

The Genetics Institute, Rambam Health Care Campus
Classification: Likely pathogenic for Mullegama-Klein-Martinez syndrome. Last evaluated: 2022-12-13. Review status: criteria provided, single submitter. Criteria: ACMG Guidelines, 2015. Collection method: clinical testing. Allele origin: de novo. Affected: yes. Observed: 1 variant allele.
Comment: [PVS1_m, PS2, PP4, PM2_s] NM_001042750.2(STAG2):c.2096+3_2096+6del is a splice-site deletion in intron 21 near the donor splice site. Loss-of-function variants in STAG2 have so far been found primarily in females and in de novo dominant inheritance. (PMID: 33014403, 30447054). This variant has not been reported in the literature in individuals affected with STAG2-related conditions. The c.2096+3_2096+6del variant is absent from the Genome Aggregation Database (v.4), indicating it is not a common polymorphism. Computational analyses predict that this variant is deleterious (SpliceAI = 1), Based on the above information, the NM_001042750.2(STAG2):c.2096+3_2096+6del variant is considered to be likely pathogenic.

NM_001042750.2(STAG2):c.2096+3_2096+6del

Gene: STAG2 (STAG2 cohesin complex component; plus strand). Cytogenetic location: Xq25.
Variant type: Microsatellite.
Coding change: c.2096+3_2096+6del on transcript NM_001042750.2 (MANE Select); bases 3 to 6 of the intron after coding-DNA position 2096, 4 bases deleted (AAGT; older notation c.2096+3_2096+6delAAGT).
Molecular consequence: splice donor variant.
Genome position (GRCh38, 1-based): chrX:124,065,949-124,065,952, AAGT deleted; deleting any 4 consecutive bases within chrX:124,065,944-124,065,952 gives the same sequence; the c. name uses the placement nearest the transcript's 3' end. VCF-style (leftmost placement, unchanged base first): chrX-124065943-ATAAG-A. GRCh37 (hg19) VCF-style: chrX-123199793-ATAAG-A.
Other names: c.2096+3_2096+6del (NM_001042749.2, NM_001375366.1, NM_001375373.1 and 13 more transcripts).
Identifiers: ClinVar variation 3912054 (VCV003912054.1).